The following is an entry in ClinVar:

ClinVar aggregate classification (germline): Uncertain significance (1 of 4 stars; one submission).

Conditions:
Inborn genetic diseases. Identifiers: MedGen C0950123, MeSH D030342.

Submission:

Ambry Genetics
Classification: Uncertain significance for Inborn genetic diseases. Last evaluated: 2023-07-05. Review status: criteria provided, single submitter. Criteria: Ambry Variant Classification Scheme 2023. Collection method: clinical testing. Allele origin: germline.
Comment: The p.D111N variant (also known as c.331G>A), located in coding exon 4 of the MDH2 gene, results from a G to A substitution at nucleotide position 331. The aspartic acid at codon 111 is replaced by asparagine, an amino acid with highly similar properties. This amino acid position is conserved. In addition, the in silico prediction for this alteration is inconclusive. Since supporting evidence is limited at this time, the clinical significance of this alteration remains unclear.

NM_005918.4(MDH2):c.331G>A (p.Asp111Asn)

Gene: MDH2 (malate dehydrogenase 2; plus strand). Cytogenetic location: 7q11.23.
Variant type: single nucleotide variant.
Coding change: c.331G>A on transcript NM_005918.4 (MANE Select); coding-DNA position 331, G replaced by A.
Protein change: p.Asp111Asn; replaces aspartic acid 111 with asparagine.
Molecular consequence: missense variant.
Genome position (GRCh38, 1-based): chr7:76,057,980, G>A. VCF-style: chr7-76057980-G-A. GRCh37 (hg19) VCF-style: chr7-75687298-G-A.
Other names: c.331G>A, p.Asp111Asn (NM_001282403.2); c.10G>A, p.Asp4Asn (NM_001282404.2); short protein forms D111N, D4N.
Identifiers: ClinVar variation 2620175 (VCV002620175.2), dbSNP rs2535859665, ClinGen allele CA367764022.